The following is an entry in ClinVar:

NM_152743.4(BRAT1):c.485C>T (p.Ser162Leu)

Gene: BRAT1 (BRCA1 associated ATM activator 1; minus strand). Cytogenetic location: 7p22.3.
Variant type: single nucleotide variant.
Coding change: c.485C>T on transcript NM_152743.4 (MANE Select); coding-DNA position 485, C replaced by T.
Protein change: p.Ser162Leu; replaces serine 162 with leucine.
Molecular consequence: missense variant. On other transcripts: 5 prime UTR variant (1), non-coding transcript variant (1).
Genome position (GRCh38, 1-based): chr7:2,543,908, G>A on the plus strand (C>T on the coding strand, the complement: BRAT1 is on the minus strand). VCF-style: chr7-2543908-G-A. GRCh37 (hg19) VCF-style: chr7-2583542-G-A.
Other names: c.485C>T, p.Ser162Leu (NM_001350626.2); c.-41C>T (NM_001350627.2); short protein forms S162L.
Identifiers: ClinVar variation 644895 (VCV000644895.9), dbSNP rs907504548, ClinGen allele CA152672039.

ClinVar aggregate classification (germline): Uncertain significance (1 of 4 stars; one submission).

Conditions:
Neonatal-onset encephalopathy with rigidity and seizures. Also called: Lethal neonatal spasticity-epileptic encephalopathy syndrome. Identifiers: Orphanet 435845, MedGen C3281029, MONDO:0013784, OMIM 614498.

Allele frequency attached by ClinVar (database versions not stated): gnomAD exomes below 0.00001 and 0.00002; TOPMed 0.00002; gnomAD 0.00003 and 0.00004; 1000 Genomes Project 30x 0.00016.
gnomAD v4.1: 37 of 1,607,116 alleles (0.0023%); highest among the groups gnomAD compares: Non-Finnish European, 0.003%; no homozygotes.

Submission:

Labcorp Genetics (formerly Invitae), Labcorp
Classification: Uncertain significance for Neonatal-onset encephalopathy with rigidity and seizures. Last evaluated: 2024-02-24. Review status: criteria provided, single submitter. Criteria: Invitae Variant Classification Sherloc (09022015). Collection method: clinical testing. Allele origin: germline.
Comment: This sequence change replaces serine, which is neutral and polar, with leucine, which is neutral and non-polar, at codon 162 of the BRAT1 protein (p.Ser162Leu). This variant is present in population databases (no rsID available, gnomAD 0.004%). This variant has not been reported in the literature in individuals affected with BRAT1-related conditions. ClinVar contains an entry for this variant (Variation ID: 644895). Advanced modeling of protein sequence and biophysical properties (such as structural, functional, and spatial information, amino acid conservation, physicochemical variation, residue mobility, and thermodynamic stability) performed at Invitae indicates that this missense variant is expected to disrupt BRAT1 protein function with a positive predictive value of 80%. In summary, the available evidence is currently insufficient to determine the role of this variant in disease. Therefore, it has been classified as a Variant of Uncertain Significance.